The following is an entry in ClinVar:

ClinVar aggregate classification (germline): Conflicting classifications of pathogenicity. Review status: criteria provided, conflicting classifications (1 of 4 stars). 10 submissions from 10 submitters: Uncertain significance (8); Benign (1); Likely benign (1). Last evaluated 2025-12-10.

Conditions:
BRCA1-related disorder. Also called: BRCA1-related condition.
Hereditary cancer-predisposing syndrome. Also called: Tumor predisposition; Hereditary Cancer Syndrome; Neoplastic Syndromes, Hereditary; Hereditary neoplastic syndrome. Identifiers: Orphanet 140162, MedGen C0027672, MeSH D009386, MONDO:0015356.
Hereditary breast ovarian cancer syndrome. Also called: Breast and ovarian cancer; Hereditary breast and ovarian cancer; Hereditary breast and ovarian cancer syndrome; Hereditary breast and/or ovarian cancer syndrome; BRCA1- and BRCA2-Associated Hereditary Breast and Ovarian Cancer; Hereditary breast and ovarian cancer syndrome (HBOC). Identifiers: Orphanet 145, MedGen C0677776, MeSH D061325, MONDO:0003582. Disease mechanism: loss of function.
Breast-ovarian cancer, familial, susceptibility to, 1 (BROVCA1). Also called: BRCA1 Hereditary Breast and Ovarian Cancer; OVARIAN CANCER, SUSCEPTIBILITY TO. Identifiers: Orphanet 145, MedGen C2676676, MONDO:0011450, OMIM 604370. Disease mechanism: loss of function.

Allele frequency attached by ClinVar (database versions not stated): TOPMed below 0.00001; gnomAD 0.00001.
gnomAD v4.1: 1 of 1,613,702 alleles (0.000062%); highest among the groups gnomAD compares: African/African-American, 0.0013%; no homozygotes.

Submissions (10):

Labcorp Genetics (formerly Invitae), Labcorp
Classification: Uncertain significance for Hereditary breast ovarian cancer syndrome. Last evaluated: 2025-12-10. Review status: criteria provided, single submitter. Criteria: Invitae Variant Classification Sherloc (09022015). Collection method: clinical testing. Allele origin: germline.
Comment: This sequence change replaces arginine, which is basic and polar, with isoleucine, which is neutral and non-polar, at codon 823 of the BRCA1 protein (p.Arg823Ile). This variant is not present in population databases (gnomAD no frequency). This missense change has been observed in individual(s) with breast cancer (PMID: 25503501). ClinVar contains an entry for this variant (Variation ID: 232385). Invitae Evidence Modeling of protein sequence and biophysical properties (such as structural, functional, and spatial information, amino acid conservation, physicochemical variation, residue mobility, and thermodynamic stability) indicates that this missense variant is expected to disrupt BRCA1 protein function with a positive predictive value of 80%. In summary, the available evidence is currently insufficient to determine the role of this variant in disease. Therefore, it has been classified as a Variant of Uncertain Significance.

Quest Diagnostics Nichols Institute San Juan Capistrano
Classification: Uncertain significance. Last evaluated: 2025-10-21. Review status: criteria provided, single submitter. Criteria: Quest Diagnostics criteria. Collection method: clinical testing. Allele origin: unknown.
Comment: The BRCA1 c.2468G>T (p.Arg823Ile) variant has been reported in the published literature in an individual with early onset breast cancer (PMID: 25503501 (2015)). This variant has also been reported to be located in a region of the BRCA1 gene that is tolerant to missense sequence changes (PMID: 31911673 (2020)). The frequency of this variant in the general population (Genome Aggregation Database) is uninformative in the assessment of its pathogenicity. Analysis of this variant using bioinformatics tools for the prediction of the effect of amino acid changes on protein structure and function yielded predictions that this variant is damaging. Based on the available information, we are unable to determine the clinical significance of this variant.

Ambry Genetics
Classification: Uncertain significance for Hereditary cancer-predisposing syndrome. Last evaluated: 2025-10-09. Review status: criteria provided, single submitter. Criteria: Ambry Variant Classification Scheme 2023. Collection method: clinical testing. Allele origin: germline.
Comment: The p.R823I variant (also known as c.2468G>T), located in coding exon 9 of the BRCA1 gene, results from a G to T substitution at nucleotide position 2468. The arginine at codon 823 is replaced by isoleucine, an amino acid with similar properties. This alteration was previously reported in at least one individual from a cohort of 278 individuals with early-onset breast cancer (Maxwell KN et al. Genet Med, 2015 Aug;17:630-8). This amino acid position is not well conserved in available vertebrate species. In addition, the in silico prediction for this alteration is inconclusive. Since supporting evidence is limited at this time, the clinical significance of this alteration remains unclear.

PreventionGenetics, part of Exact Sciences
Classification: Uncertain significance for BRCA1-related condition. Last evaluated: 2025-06-17. Review status: criteria provided, single submitter. Criteria: ACMG Guidelines, 2015. Collection method: clinical testing. Allele origin: germline.
Comment: The BRCA1 c.2468G>T variant is predicted to result in the amino acid substitution p.Arg823Ile. This variant has been reported in a patient with early onset breast cancer and as a somatic variant in a patient with colorectal cancer (Maxwell et al. 2014. PubMed ID: 25503501; Giannakis et al. 2014. PubMed ID: 25344691). This variant occurs within a region of the BRCA1 gene that is predicted to be tolerant to missense variation (Table 2, Dines et al. 2020. PubMed ID: 31911673). This variant has not been reported in the literature or in a large population database, indicating this variant is rare. It has conflicting interpretations ranging from uncertain to benign in ClinVar. Although we suspect that this variant may be benign, the clinical significance of this variant is classified as uncertain at this time due to insufficient functional and genetic evidence.

GeneDx
Classification: Uncertain significance. Last evaluated: 2025-02-21. Review status: criteria provided, single submitter. Criteria: GeneDx Variant Classification Process June 2021. Collection method: clinical testing. Allele origin: germline. Affected: yes.
Comment: In silico analysis supports that this missense variant has a deleterious effect on protein structure/function; Not observed at significant frequency in large population cohorts (gnomAD); Also known as 2587G>T; This variant is associated with the following publications: (PMID: 9774970, 15343273, 27760322, 25344691, 29884841, 32377563, 25503501)

All of Us Research Program, National Institutes of Health
Classification: Uncertain significance for Breast-ovarian cancer, familial, susceptibility to, 1. Last evaluated: 2023-08-15. Review status: criteria provided, single submitter. Criteria: ACMG Guidelines, 2015. Collection method: clinical testing. Allele origin: germline. Inheritance: Autosomal dominant inheritance. Observed: 1 variant allele, 1 heterozygote.
Comment: This missense variant replaces arginine with isoleucine at codon 823 of the BRCA1 protein. Computational prediction suggests that this variant may not impact protein structure and function (internally defined REVEL score threshold <= 0.5, PMID: 27666373). To our knowledge, functional studies have not been reported for this variant. This variant has been reported in an individual affected with breast cancer (PMID: 25503501). This variant has not been identified in the general population by the Genome Aggregation Database (gnomAD). The available evidence is insufficient to determine the role of this variant in disease conclusively. Therefore, this variant is classified as a Variant of Uncertain Significance.

This study involves interpretation of variants in research participants for the purpose of population health screening. Participant phenotype was not available at the time of variant classification. Additional details can be found in publication PMID: 35346344, PMCID: PMC8962531

Color Diagnostics, LLC DBA Color Health
Classification: Uncertain significance for Hereditary cancer-predisposing syndrome. Last evaluated: 2023-08-02. Review status: criteria provided, single submitter. Criteria: ACMG Guidelines, 2015. Collection method: clinical testing. Allele origin: germline.
Comment: This missense variant replaces arginine with isoleucine at codon 823 of the BRCA1 protein. Computational prediction suggests that this variant may not impact protein structure and function (internally defined REVEL score threshold <= 0.5, PMID: 27666373). To our knowledge, functional studies have not been reported for this variant. This variant has been reported in an individual affected with breast cancer (PMID: 25503501). This variant has not been identified in the general population by the Genome Aggregation Database (gnomAD). The available evidence is insufficient to determine the role of this variant in disease conclusively. Therefore, this variant is classified as a Variant of Uncertain Significance.

University of Washington Department of Laboratory Medicine, University of Washington
Classification: Likely benign for Hereditary cancer-predisposing syndrome. Last evaluated: 2023-03-23. Review status: criteria provided, single submitter. Criteria: Dines et al. (Genet Med. 2020). Collection method: curation. Allele origin: germline.
Comment: Missense variant in a coldspot region where missense variants are very unlikely to be pathogenic (PMID:31911673).

BRCA1 coldspot (exon 11 using historical exon numbering). Reclassification based on statistical prior probability

Mendelics
Classification: Benign. Last evaluated: 2022-05-04. Review status: criteria provided, single submitter. Criteria: Mendelics Assertion Criteria 2019. Collection method: clinical testing. Allele origin: germline.

Women's Health and Genetics/Laboratory Corporation of America, LabCorp
Classification: Uncertain significance. Last evaluated: 2019-02-18. Review status: criteria provided, single submitter. Criteria: LabCorp Variant Classification Summary - May 2015. Collection method: clinical testing. Allele origin: germline.
Comment: Variant summary: BRCA1 c.2468G>T (p.Arg823Ile) results in a non-conservative amino acid change in the encoded protein sequence. Three of five in-silico tools predict a damaging effect of the variant on protein function. The variant was absent in 245586 control chromosomes (gnomAD). The available data on variant occurrences in the general population are insufficient to allow any conclusion about variant significance. c.2468G>T has been reported in the literature in an individual affected with Hereditary Breast and Ovarian Cancer (Maxwell_2015), along with a reported somatic occurrence (Giannakis_2014). These report(s) do not provide unequivocal conclusions about association of the variant with Hereditary Breast and Ovarian Cancer. To our knowledge, no experimental evidence demonstrating an impact on protein function has been reported. A ClinVar submission from a clinical diagnostic laboratory (evaluation after 2014) cite the variant as uncertain significance. Based on the evidence outlined above, the variant was classified as uncertain significance.

Literature cited by the submitters: PubMed 25503501 (cited by 6 submitters); PubMed 31911673 (cited by Quest Diagnostics Nichols Institute San Juan Capistrano); PubMed 27760322 (cited by Quest Diagnostics Nichols Institute San Juan Capistrano and Women's Health and Genetics/Laboratory Corporation of America, LabCorp); PubMed 25344691 (cited by Women's Health and Genetics/Laboratory Corporation of America, LabCorp).

NM_007294.4(BRCA1):c.2468G>T (p.Arg823Ile)

Gene: BRCA1 (BRCA1 DNA repair associated; minus strand). Cytogenetic location: 17q21.31.
Variant type: single nucleotide variant.
Coding change: c.2468G>T on transcript NM_007294.4 (MANE Select); coding-DNA position 2468, G replaced by T.
Protein change: p.Arg823Ile; replaces arginine 823 with isoleucine.
Molecular consequence: missense variant. On other transcripts: intron variant (137).
Genome position (GRCh38, 1-based): chr17:43,093,063, C>A on the plus strand (G>T on the coding strand, the complement: BRCA1 is on the minus strand). VCF-style: chr17-43093063-C-A. GRCh37 (hg19) VCF-style: chr17-41245080-C-A.
Other names: c.652+1681G>T (NM_001408451.1); c.643+1681G>T (NM_001408464.1, NM_001408468.1, NM_001408465.1 and 3 more transcripts); c.523+1681G>T (NM_001408498.1, NM_001408501.1, NM_001408500.1 and 3 more transcripts); c.646+1681G>T (NM_001408467.1, NM_001408459.1, NM_001408455.1 and 11 more transcripts); c.583+1681G>T (NM_001408475.1); c.709+1681G>T (NM_001408412.1, NM_001408409.1, NM_001408414.1 and 2 more transcripts); c.451+1681G>T (NM_001408509.1, NM_001408508.1); c.574+1681G>T (NM_001408491.1, NM_001408493.1, NM_001408490.1); and 41 more; short protein forms R823I, R776I, R756I, R696I, R712I, R755I, R796I, R695I.
Identifiers: ClinVar variation 232385 (VCV000232385.29), dbSNP rs876659731, ClinGen allele CA10580614.